The following is an entry in ClinVar:

ClinVar aggregate classification (germline): Likely pathogenic (1 of 4 stars; one submission).

Conditions:
Progressive sclerosing poliodystrophy (MTDPS4A). Also called: ALPERS PROGRESSIVE INFANTILE POLIODYSTROPHY; NEURONAL DEGENERATION OF CHILDHOOD WITH LIVER DISEASE, PROGRESSIVE; Alpers Syndrome; ALPERS DIFFUSE DEGENERATION OF CEREBRAL GRAY MATTER WITH HEPATIC CIRRHOSIS; Alpers-Huttenlocher Syndrome; Mitochondrial DNA depletion syndrome 4A (Alpers type). Identifiers: Orphanet 726, MedGen C0205710, MONDO:0008758, OMIM 203700.

Allele frequency attached by ClinVar (database versions not stated): gnomAD exomes below 0.00001.
gnomAD v4.1: 1 of 1,613,912 alleles (0.000062%); highest among the groups gnomAD compares: South Asian, 0.0011%; no homozygotes.

Submission:

Labcorp Genetics (formerly Invitae), Labcorp
Classification: Likely pathogenic for Progressive sclerosing poliodystrophy. Last evaluated: 2023-11-08. Review status: criteria provided, single submitter. Criteria: Invitae Variant Classification Sherloc (09022015). Collection method: clinical testing. Allele origin: germline.
Comment: This sequence change replaces aspartic acid, which is acidic and polar, with glycine, which is neutral and non-polar, at codon 930 of the POLG protein (p.Asp930Gly). This variant is not present in population databases (gnomAD no frequency). This variant has not been reported in the literature in individuals affected with POLG-related conditions. Advanced modeling of protein sequence and biophysical properties (such as structural, functional, and spatial information, amino acid conservation, physicochemical variation, residue mobility, and thermodynamic stability) performed at Invitae indicates that this missense variant is expected to disrupt POLG protein function with a positive predictive value of 95%. This variant disrupts the p.Asp930 amino acid residue in POLG. Other variant(s) that disrupt this residue have been determined to be pathogenic (PMID: 19125351, 20883824). This suggests that this residue is clinically significant, and that variants that disrupt this residue are likely to be disease-causing. In summary, the currently available evidence indicates that the variant is pathogenic, but additional data are needed to prove that conclusively. Therefore, this variant has been classified as Likely Pathogenic.

Literature cited by the submitters: PubMed 19125351; PubMed 20883824.

NM_002693.3(POLG):c.2789A>G (p.Asp930Gly)

Gene: POLG (DNA polymerase gamma, catalytic subunit; minus strand). Cytogenetic location: 15q26.1.
Variant type: single nucleotide variant.
Coding change: c.2789A>G on transcript NM_002693.3 (MANE Select); coding-DNA position 2789, A replaced by G.
Protein change: p.Asp930Gly; replaces aspartic acid 930 with glycine.
Molecular consequence: missense variant.
Genome position (GRCh38, 1-based): chr15:89,320,958, T>C on the plus strand (A>G on the coding strand, the complement: POLG is on the minus strand). VCF-style: chr15-89320958-T-C. GRCh37 (hg19) VCF-style: chr15-89864189-T-C.
Other names: c.2789A>G, p.Asp930Gly (NM_001126131.2); short protein forms D930G.
Identifiers: ClinVar variation 2726874 (VCV002726874.3), dbSNP rs2509217554, ClinGen allele CA393753111.